The following is an entry in ClinVar:

NM_001184.4(ATR):c.992A>G (p.Asp331Gly)

Gene: ATR (ATR checkpoint kinase; minus strand). Cytogenetic location: 3q23.
Variant type: single nucleotide variant.
Coding change: c.992A>G on transcript NM_001184.4 (MANE Select); coding-DNA position 992, A replaced by G.
Protein change: p.Asp331Gly; replaces aspartic acid 331 with glycine.
Molecular consequence: missense variant.
Genome position (GRCh38, 1-based): chr3:142,562,410, T>C on the plus strand (A>G on the coding strand, the complement: ATR is on the minus strand). VCF-style: chr3-142562410-T-C. GRCh37 (hg19) VCF-style: chr3-142281252-T-C.
Other names: c.992A>G, p.Asp331Gly (NM_001354579.2); short protein forms D331G.
Identifiers: ClinVar variation 379486 (VCV000379486.59), dbSNP rs150008448, ClinGen allele CA2650696.

ClinVar aggregate classification (germline): Conflicting classifications of pathogenicity. Review status: criteria provided, conflicting classifications (1 of 4 stars). 14 submissions from 13 submitters: Uncertain significance (1); Likely benign (9). 4 of the submissions do not count toward it. Last evaluated 2026-03-01.

Conditions:
ATR-related disorder. Also called: ATR-related condition.
Inborn genetic diseases. Identifiers: MedGen C0950123, MeSH D030342.
Seckel syndrome 1 (SCKL1). Also called: MICROCEPHALIC PRIMORDIAL DWARFISM I. Identifiers: Orphanet 808, MedGen C4551474, MONDO:0008869, OMIM 210600.
Familial cutaneous telangiectasia and oropharyngeal predisposition cancer syndrome. Identifiers: Orphanet 313846, MedGen C3281203, MONDO:0013806, OMIM 614564.
Familial cancer of breast. Also called: Hereditary breast cancer; BREAST CANCER, FAMILIAL; hereditary breast carcinoma. Identifiers: Orphanet 227535, MedGen C0346153, MONDO:0016419, OMIM 114480. Disease mechanism: loss of function.

Allele frequency attached by ClinVar (database versions not stated): gnomAD exomes 0.00140 and 0.00129; 1000 Genomes Project 30x 0.00016; 1000 Genomes Project 0.00020; TOPMed 0.00069; ESP Exome Variant Server 0.00100; gnomAD 0.00113 and 0.00120; ExAC 0.00129.
gnomAD v4.1: 2,055 of 1,614,116 alleles (0.13%); highest among the groups gnomAD compares: Non-Finnish European, 0.11%; 3 homozygotes.

Submissions (14):

CeGaT Center for Human Genetics Tuebingen
Classification: Likely benign. Last evaluated: 2026-03-01. Review status: criteria provided, single submitter. Criteria: CeGaT Center For Human Genetics Tuebingen Variant Classification Criteria Version 2. Collection method: clinical testing. Allele origin: germline. Affected: yes. Observed: 4 variant alleles.
Comment: ATR: PP2, BP4, BS2

Labcorp Genetics (formerly Invitae), Labcorp
Classification: Likely benign. Last evaluated: 2026-01-14. Review status: criteria provided, single submitter. Criteria: Invitae Variant Classification Sherloc (09022015). Collection method: clinical testing. Allele origin: germline.

Blueprint Genetics
Classification: Likely benign. Last evaluated: 2024-10-24. Review status: criteria provided, single submitter. Criteria: ACMG Guidelines, 2015. Collection method: clinical testing. Allele origin: germline.

Genome-Nilou Lab
Classification: Likely benign for Seckel syndrome 1. Last evaluated: 2023-02-08. Review status: criteria provided, single submitter. Criteria: ACMG Guidelines, 2015. Collection method: clinical testing. Allele origin: germline.

Genome-Nilou Lab
Classification: Likely benign for Familial cutaneous telangiectasia and oropharyngeal predisposition cancer syndrome. Last evaluated: 2023-02-08. Review status: criteria provided, single submitter. Criteria: ACMG Guidelines, 2015. Collection method: clinical testing. Allele origin: germline.

Ambry Genetics
Classification: Uncertain significance for Inborn genetic diseases. Last evaluated: 2021-04-20. Review status: criteria provided, single submitter. Criteria: Ambry Variant Classification Scheme 2023. Collection method: clinical testing. Allele origin: germline.

Genetic Services Laboratory, University of Chicago
Classification: Likely benign. Last evaluated: 2020-09-11. Review status: criteria provided, single submitter. Criteria: ACMG Guidelines, 2015. Collection method: clinical testing. Allele origin: germline. Affected: no.

ARUP Laboratories, Molecular Genetics and Genomics, ARUP Laboratories
Classification: Likely benign. Last evaluated: 2020-04-17. Review status: criteria provided, single submitter. Criteria: ARUP Molecular Germline Variant Investigation Process. Collection method: clinical testing. Allele origin: germline.

Illumina Laboratory Services, Illumina
Classification: Likely benign for Seckel syndrome 1. Last evaluated: 2017-04-28. Review status: criteria provided, single submitter. Criteria: ICSL Variant Classification Criteria 13 December 2019. Collection method: clinical testing. Allele origin: germline.
Comment: This variant was observed as part of a predisposition screen in an ostensibly healthy population. A literature search was performed for the gene, cDNA change, and amino acid change (where applicable). No publications were found based on this search. Allele frequency data from public databases allowed determination this variant is unlikely to cause disease. Therefore, this variant is classified as likely benign.

GeneDx
Classification: Likely benign. Last evaluated: 2016-09-01. Review status: criteria provided, single submitter. Criteria: GeneDx Variant Classification (06012015). Collection method: clinical testing. Allele origin: germline. Affected: yes.
Comment: This variant is considered likely benign or benign based on one or more of the following criteria: it is a conservative change, it occurs at a poorly conserved position in the protein, it is predicted to be benign by multiple in silico algorithms, and/or has population frequency not consistent with disease.

PreventionGenetics, part of Exact Sciences
Classification: Likely benign for ATR-related condition. Last evaluated: 2024-08-23. Review status: no assertion criteria provided. Collection method: clinical testing. Allele origin: germline. Not counted in ClinVar's aggregate classification.
Comment: This variant is classified as likely benign based on ACMG/AMP sequence variant interpretation guidelines (Richards et al. 2015 PMID: 25741868, with internal and published modifications).

Center of Medical Genetics and Primary Health Care
Classification: Uncertain significance for Familial cancer of breast. Last evaluated: 2020-04-08. Review status: no assertion criteria provided. Collection method: research. Allele origin: germline. Affected: yes. Observed: 1 heterozygote. Not counted in ClinVar's aggregate classification.
Comment: ACMG Guidelines 2015 criteria PP4 Pathogenic Supporting: The patient has family history of breast cancer BS1 Benign Strong: GnomAD exomes allele frequency = 0.0014 > 0.000388 derived from the 207 clinically reported variants in gene ATR of which 6 PATH, 97 VUS and 104 BEN. BP1 Benign Supporting: 32 out of 32 non-VUS missense variants in gene ATR are BEN = 100.0% > threshold of 51.0%, and 104 out of 207 clinically reported variants in gene ATR are BEN = 50.2% > threshold of 24.0%. BP4 Benign Supporting: 10 benign predictions from DANN, DEOGEN2, EIGEN, FATHMM-MKL, M-CAP, MVP, MutationAssessor, MutationTaster, REVEL and SIFT vs no pathogenic predictions and the position is not conserved. Therefore, there is insufficient information and this variant was classified as a Variant of Unknown Significance.

Clinical Genetics DNA and cytogenetics Diagnostics Lab, Erasmus MC, Erasmus Medical Center
Classification: Likely benign. Review status: no assertion criteria provided. Collection method: clinical testing. Allele origin: germline. Affected: yes. Study: VKGL Data-share Consensus. Not counted in ClinVar's aggregate classification.

Laboratory of Diagnostic Genome Analysis, Leiden University Medical Center (LUMC)
Classification: Likely benign. Review status: no assertion criteria provided. Collection method: clinical testing. Allele origin: germline. Affected: yes. Study: VKGL Data-share Consensus. Not counted in ClinVar's aggregate classification.